The following is an entry in ClinVar:

NM_001876.4(CPT1A):c.526G>T (p.Val176Phe)

Gene: CPT1A (carnitine palmitoyltransferase 1A; minus strand). Cytogenetic location: 11q13.3.
Variant type: single nucleotide variant.
Coding change: c.526G>T on transcript NM_001876.4 (MANE Select); coding-DNA position 526, G replaced by T.
Protein change: p.Val176Phe; replaces valine 176 with phenylalanine.
Molecular consequence: missense variant.
Genome position (GRCh38, 1-based): chr11:68,804,029, C>A on the plus strand (G>T on the coding strand, the complement: CPT1A is on the minus strand). VCF-style: chr11-68804029-C-A. GRCh37 (hg19) VCF-style: chr11-68571497-C-A.
Other names: c.526G>T, p.Val176Phe (NM_001031847.3, NM_001440358.1, NM_001440359.1 and 6 more transcripts); short protein forms V176F.
Identifiers: ClinVar variation 5003211 (VCV005003211.1).

ClinVar aggregate classification (germline): Uncertain significance (1 of 4 stars; one submission).

Conditions:
Carnitine palmitoyl transferase 1A deficiency. Also called: Carnitine palmitoyltransferase 1A deficiency; CPT deficiency, hepatic, type IA; CPT I DEFICIENCY; CPT DEFICIENCY, HEPATIC, TYPE I; Carnitine palmitoyltransferase type I deficiency. Identifiers: Orphanet 156, MedGen C1829703, MONDO:0009705, OMIM 255120.

gnomAD v4.1: 6 of 1,614,106 alleles (0.00037%); highest among the groups gnomAD compares: South Asian, 0.0011%; no homozygotes.

Submission:

Myriad Genetics, Inc.
Classification: Uncertain significance for Carnitine palmitoyl transferase 1A deficiency. Last evaluated: 2026-07-22. Review status: criteria provided, single submitter. Criteria: Myriad Autosomal Dominant, Autosomal Recessive and X-Linked Classification Criteria (2023). Collection method: clinical testing. Allele origin: unknown.
Comment: NM_001876.3(CPT1A):c.526G>T(V176F) is a missense variant classified as a variant of uncertain significance in the context of carnitine palmitoyltransferase IA deficiency. V176F has been observed in a case with relevant disease (PMID: 23430491). Relevant functional assessments of this variant are not available in the literature. V176F has not been observed in referenced population frequency databases. In summary, there is insufficient evidence to classify NM_001876.3(CPT1A):c.526G>T(V176F) as pathogenic or benign. Please note: this variant was assessed in the context of healthy population screening.

Literature cited by the submitters: PubMed 23430491.